The following is an entry in ClinVar:

NM_000138.5(FBN1):c.3302A>G (p.Tyr1101Cys)

Gene: FBN1 (fibrillin 1; minus strand). Cytogenetic location: 15q21.1.
Variant type: single nucleotide variant.
Coding change: c.3302A>G on transcript NM_000138.5 (MANE Select); coding-DNA position 3302, A replaced by G.
Protein change: p.Tyr1101Cys; replaces tyrosine 1101 with cysteine.
Molecular consequence: missense variant.
Genome position (GRCh38, 1-based): chr15:48,488,148, T>C on the plus strand (A>G on the coding strand, the complement: FBN1 is on the minus strand). VCF-style: chr15-48488148-T-C. GRCh37 (hg19) VCF-style: chr15-48780345-T-C.
Other names: short protein forms Y1101C.
Identifiers: ClinVar variation 549154 (VCV000549154.34), dbSNP rs1555398625, ClinGen allele CA392327154.

ClinVar aggregate classification (germline): Pathogenic/Likely pathogenic. Review status: criteria provided, multiple submitters, no conflicts (2 of 4 stars). 9 submissions from 9 submitters: Pathogenic (6); Likely pathogenic (2). 1 of the submissions does not count toward it. Last evaluated 2025-11-07.

Conditions:
Familial thoracic aortic aneurysm and aortic dissection (TAAD). Also called: Thoracic aortic aneurysms and dissections. Identifiers: Orphanet 91387, MedGen C4707243, MONDO:0019625.
Marfan syndrome (MFS). Also called: Marfan syndrome type 1; Marfan syndrome, classic; Marfan's syndrome; FBN1-Related Marfan Syndrome; MARFAN SYNDROME, TYPE I. Identifiers: Orphanet 284963, Orphanet 558, MedGen C0024796, MONDO:0007947, OMIM 154700.
FBN1-related disorder. Also called: FBN1-related disorders.

Submissions (9):

Variantyx, Inc.
Classification: Pathogenic for Marfan syndrome. Last evaluated: 2025-11-07. Review status: criteria provided, single submitter. Criteria: Variantyx Assertion Criteria 2022. Collection method: clinical testing. Allele origin: de novo. Inheritance: Autosomal dominant inheritance. Affected: yes.
Comment: This is a nonsynonymous variant in the FBN1 gene (OMIM: 134797). Pathogenic variants in this gene have been associated with autosomal dominant Marfan syndrome. This variant has been reported in several unrelated affected individuals (PMID: 11700157, 28941062, 19863550, 12402346) (PS4) and likely occurred de novo in the current proband, and individuals reported in the published literature; however, the possibility of parental germline mosaicism cannot be excluded (PMID: 16596670, 16222657) (PS2). Multiple computational algorithms predict a deleterious effect for this variant (REVEL score: 0.943) (PP3). and the alteration is absent from control populations (PM2). Based on the current evidence, this variant is classified as pathogenic for autosomal dominant Marfan syndrome.

Ambry Genetics
Classification: Pathogenic for Familial thoracic aortic aneurysm and aortic dissection. Last evaluated: 2025-07-01. Review status: criteria provided, single submitter. Criteria: Ambry Variant Classification Scheme 2023. Collection method: clinical testing. Allele origin: germline.
Comment: The p.Y1101C pathogenic mutation (also known as c.3302A>G), located in coding exon 26 of the FBN1 gene, results from an A to G substitution at nucleotide position 3302. The tyrosine at codon 1101 is replaced by cysteine, an amino acid with highly dissimilar properties, and is located in the cbEGF-like #12 domain. This alteration has been reported in subjects with Marfan syndrome and has been reported as de novo in several cases (Loeys B et al. Arch. Intern. Med., 2001 Nov;161:2447-54; Rommel K et al. Hum. Mutat., 2002 Nov;20:406-7; Biggin A et al. Hum. Mutat., 2004 Jan;23:99; Arbustini E et al. Hum. Mutat., 2005 Nov;26:494; Stheneur C et al. Eur. J. Hum. Genet., 2009 Sep;17:1121-8; Yoo EH et al. Clin. Genet., 2010 Feb;77:177-82). The majority of FBN1 mutations identified to date have involved the substitution or generation of cysteine residues within cbEGF domains (Vollbrandt T et al. J Biol Chem. 2004;279(31):32924-32931). This variant is considered to be rare based on population cohorts in the Genome Aggregation Database (gnomAD). Based on the supporting evidence, this variant is interpreted as a disease-causing mutation.

Labcorp Genetics (formerly Invitae), Labcorp
Classification: Pathogenic for Marfan syndrome; Familial thoracic aortic aneurysm and aortic dissection. Last evaluated: 2025-01-06. Review status: criteria provided, single submitter. Criteria: Invitae Variant Classification Sherloc (09022015). Collection method: clinical testing. Allele origin: germline.
Comment: This sequence change replaces tyrosine, which is neutral and polar, with cysteine, which is neutral and slightly polar, at codon 1101 of the FBN1 protein (p.Tyr1101Cys). This variant is not present in population databases (gnomAD no frequency). This missense change has been observed in individual(s) with Marfan syndrome (PMID: 11700157, 12402346, 16222657, 16596670, 19863550, 28941062). In at least one individual the variant was observed to be de novo. ClinVar contains an entry for this variant (Variation ID: 549154). Invitae Evidence Modeling of protein sequence and biophysical properties (such as structural, functional, and spatial information, amino acid conservation, physicochemical variation, residue mobility, and thermodynamic stability) indicates that this missense variant is expected to disrupt FBN1 protein function with a positive predictive value of 95%. For these reasons, this variant has been classified as Pathogenic.

GeneDx
Classification: Likely pathogenic. Last evaluated: 2023-03-22. Review status: criteria provided, single submitter. Criteria: GeneDx Variant Classification Process June 2021. Collection method: clinical testing. Allele origin: germline. Affected: yes.
Comment: Not observed at significant frequency in large population cohorts (gnomAD); Introduces a new cysteine residue within a calcium-binding EGF-like domain of the FBN1 gene, which may affect disulfide bonding and is predicted to alter the structure and function of the protein; cysteine substitutions in the calcium-binding EGF-like domains represent the majority of pathogenic missense changes associated with FBN1-related disorders (Collod-Beroud et al., 2003); In silico analysis supports that this missense variant has a deleterious effect on protein structure/function; This variant is associated with the following publications: (PMID: 12938084, 35058154, 11700157, 31730815)

Centre of Medical Genetics, University of Antwerp
Classification: Likely pathogenic for Marfan syndrome. Last evaluated: 2021-03-01. Review status: criteria provided, single submitter. Criteria: Submitter's publication. Collection method: research. Allele origin: unknown. Affected: yes.
Comment: PM2, PS5, PP4

CHEO Genetics Diagnostic Laboratory, Children's Hospital of Eastern Ontario
Classification: Pathogenic for Familial thoracic aortic aneurysm and aortic dissection. Last evaluated: 2018-10-30. Review status: criteria provided, single submitter. Criteria: ACMG Guidelines, 2015. Collection method: clinical testing. Allele origin: germline.

Institute of Human Genetics, University of Leipzig Medical Center
Classification: Pathogenic for Marfan syndrome. Last evaluated: 2018-08-06. Review status: criteria provided, single submitter. Criteria: ACMG Guidelines, 2015. Collection method: clinical testing. Allele origin: germline. Affected: yes. Observed: 1 variant allele.

Blueprint Genetics
Classification: Pathogenic for FBN1-related disorders. Last evaluated: 2017-11-09. Review status: criteria provided, single submitter. Criteria: ACMG Guidelines, 2015. Collection method: clinical testing. Allele origin: germline. Affected: yes. Observed: 1 variant allele.

Center for Medical Genetics Ghent, University of Ghent
Classification: Likely pathogenic for Marfan syndrome. Last evaluated: 2017-11-07. Review status: no assertion criteria provided. Collection method: clinical testing. Allele origin: germline. Affected: yes. Not counted in ClinVar's aggregate classification.

Literature cited by the submitters: PubMed 11700157 (cited by 3 submitters); PubMed 28941062 (cited by Variantyx, Inc. and Labcorp Genetics (formerly Invitae), Labcorp); PubMed 19863550 (cited by 3 submitters); PubMed 12402346 (cited by 3 submitters); PubMed 16596670 (cited by 3 submitters); PubMed 16222657 (cited by 3 submitters); PubMed 14695540 (cited by Ambry Genetics); PubMed 19293843 (cited by Ambry Genetics).